The following is an entry in ClinVar:

ClinVar aggregate classification (germline): Pathogenic (1 of 4 stars; one submission).

Conditions:
Severe combined immunodeficiency, autosomal recessive, T cell-negative, B cell-negative, NK cell-positive. Also called: SCID, AR, T-cell negative, B-cell negative, NK cell-positive; SCID, T CELL-NEGATIVE, B CELL-NEGATIVE, NK CELL-POSITIVE; Severe combined immunodeficiency due to complete RAG1/2 deficiency. Identifiers: Orphanet 331206, MedGen C1832322, MONDO:0011086, OMIM 601457.
Combined immunodeficiency with skin granulomas. Identifiers: Orphanet 157949, MedGen C2673536, MONDO:0009306, OMIM 233650.

Allele frequency attached by ClinVar (database versions not stated): gnomAD exomes below 0.00001.
gnomAD v4.1: 1 of 1,614,194 alleles (0.000062%); highest among the groups gnomAD compares: Non-Finnish European, 0.000085%; no homozygotes.

Submission:

Labcorp Genetics (formerly Invitae), Labcorp
Classification: Pathogenic for Combined immunodeficiency with skin granulomas; Severe combined immunodeficiency, autosomal recessive, T cell-negative, B cell-negative, NK cell-positive. Last evaluated: 2023-12-07. Review status: criteria provided, single submitter. Criteria: Invitae Variant Classification Sherloc (09022015). Collection method: clinical testing. Allele origin: germline.
Comment: This sequence change replaces tryptophan, which is neutral and slightly polar, with cysteine, which is neutral and slightly polar, at codon 317 of the RAG2 protein (p.Trp317Cys). This variant is not present in population databases (gnomAD no frequency). This missense change has been observed in individual(s) with severe combined immunodeficiency (Invitae). In at least one individual the data is consistent with being in trans (on the opposite chromosome) from a pathogenic variant. Advanced modeling of protein sequence and biophysical properties (such as structural, functional, and spatial information, amino acid conservation, physicochemical variation, residue mobility, and thermodynamic stability) performed at Invitae indicates that this missense variant is expected to disrupt RAG2 protein function with a positive predictive value of 95%. For these reasons, this variant has been classified as Pathogenic.

NM_000536.4(RAG2):c.951G>T (p.Trp317Cys)

Gene: RAG2 (recombination activating 2; minus strand). Cytogenetic location: 11p12.
Variant type: single nucleotide variant.
Coding change: c.951G>T on transcript NM_000536.4 (MANE Select); coding-DNA position 951, G replaced by T.
Protein change: p.Trp317Cys; replaces tryptophan 317 with cysteine.
Molecular consequence: missense variant.
Genome position (GRCh38, 1-based): chr11:36,593,218, C>A on the plus strand (G>T on the coding strand, the complement: RAG2 is on the minus strand). VCF-style: chr11-36593218-C-A. GRCh37 (hg19) VCF-style: chr11-36614768-C-A.
Other names: c.951G>T, p.Trp317Cys (NM_001243785.2, NM_001243786.2); short protein forms W317C.
Identifiers: ClinVar variation 2950412 (VCV002950412.3), dbSNP rs2494791806, ClinGen allele CA380141628.